The following is an entry in ClinVar:

NM_024675.4(PALB2):c.765T>C (p.Asp255=)

Gene: PALB2 (partner and localizer of BRCA2; minus strand). Cytogenetic location: 16p12.2.
Variant type: single nucleotide variant.
Coding change: c.765T>C on transcript NM_024675.4 (MANE Select); coding-DNA position 765, T replaced by C.
Protein change: p.Asp255=; no amino-acid change (aspartic acid 255 retained).
Molecular consequence: synonymous variant.
Genome position (GRCh38, 1-based): chr16:23,635,781, A>G on the plus strand (T>C on the coding strand, the complement: PALB2 is on the minus strand). VCF-style: chr16-23635781-A-G. GRCh37 (hg19) VCF-style: chr16-23647102-A-G.
Identifiers: ClinVar variation 126770 (VCV000126770.47), dbSNP rs45465299, ClinGen allele CA331803.
Genomic context (GRCh38, chr16:23,635,781, plus strand): 5'-AGTAGTAAGTTCACTGCTACCTTTAGGAGGAATGTGTTCAAGGTGCTGACTACTACCGCT[A>G]TCTGATAGAGTCTGTAAAGGAACTGTAGTCGCCCTGGTGAAATTAGGTCTTCTTAGGAAT-3'
Protein context (NP_078951.2, residues 245-265): ATTVPLQTLS[Asp255=]SGSSQHLEHI

ClinVar aggregate classification (germline): Benign/Likely benign. Review status: criteria provided, multiple submitters, no conflicts (2 of 4 stars). 19 submissions from 19 submitters: Benign (3); Likely benign (10). 6 of the submissions do not count toward it. Last evaluated 2025-12-03.

Conditions:
PALB2-related disorder. Also called: PALB2-related condition; PALB2-related disorders.
Breast and/or ovarian cancer. Identifiers: MedGen CN221562.
Hereditary cancer-predisposing syndrome. Also called: Tumor predisposition; Hereditary neoplastic syndrome; Neoplastic Syndromes, Hereditary; Hereditary Cancer Syndrome. Identifiers: Orphanet 140162, MedGen C0027672, MeSH D009386, MONDO:0015356.
Familial cancer of breast. Also called: Hereditary breast cancer; hereditary breast carcinoma; BREAST CANCER, FAMILIAL. Identifiers: Orphanet 227535, MedGen C0346153, MONDO:0016419, OMIM 114480. Disease mechanism: loss of function.
Fanconi anemia complementation group N. Also called: PALB2-Related Fanconi Anemia. Identifiers: Orphanet 84, MedGen C1835817, MONDO:0012565, OMIM 610832. Disease mechanism: loss of function.
Pancreatic cancer, susceptibility to, 3. Identifiers: Orphanet 1333, MedGen C3150547, MONDO:0013236, OMIM 613348.

Allele frequency attached by ClinVar (database versions not stated): TOPMed 0.00004; gnomAD 0.00006; gnomAD exomes 0.00008 and 0.00009; ExAC 0.00012; ESP Exome Variant Server 0.00015; 1000 Genomes Project 30x 0.00016; 1000 Genomes Project 0.00020.

Submissions (19):

Labcorp Genetics (formerly Invitae), Labcorp
Classification: Likely benign for Familial cancer of breast. Last evaluated: 2025-12-03. Review status: criteria provided, single submitter. Criteria: Invitae Variant Classification Sherloc (09022015). Collection method: clinical testing. Allele origin: germline.

Quest Diagnostics Nichols Institute San Juan Capistrano
Classification: Benign. Last evaluated: 2025-09-11. Review status: criteria provided, single submitter. Criteria: Quest Diagnostics criteria. Collection method: clinical testing. Allele origin: unknown.

CeGaT Center for Human Genetics Tuebingen
Classification: Likely benign. Last evaluated: 2025-08-01. Review status: criteria provided, single submitter. Criteria: CeGaT Center For Human Genetics Tuebingen Variant Classification Criteria Version 2. Collection method: clinical testing. Allele origin: germline. Affected: yes. Observed: 1 variant allele.
Comment: PALB2: BP4, BP7

Center for Genomic Medicine, Rigshospitalet, Copenhagen University Hospital
Classification: Likely benign. Last evaluated: 2025-03-04. Review status: criteria provided, single submitter. Criteria: ACMG Guidelines, 2015. Collection method: clinical testing. Allele origin: germline.

Blueprint Genetics
Classification: Likely benign. Last evaluated: 2024-08-12. Review status: criteria provided, single submitter. Criteria: ACMG Guidelines, 2015. Collection method: clinical testing. Allele origin: germline.

Myriad Genetics, Inc.
Classification: Benign for Familial cancer of breast. Last evaluated: 2023-03-31. Review status: criteria provided, single submitter. Criteria: Myriad Autosomal Dominant, Autosomal Recessive and X-Linked Classification Criteria (2023). Collection method: clinical testing. Allele origin: unknown.
Comment: This variant is considered benign. This variant is a silent/synonymous amino acid change and it is not expected to impact splicing.

Fulgent Genetics
Classification: Likely benign for Familial cancer of breast; Fanconi anemia complementation group N; Pancreatic cancer, susceptibility to, 3. Last evaluated: 2022-04-11. Review status: criteria provided, single submitter. Criteria: ACMG Guidelines, 2015. Collection method: clinical testing. Allele origin: unknown.

CHEO Genetics Diagnostic Laboratory, Children's Hospital of Eastern Ontario
Classification: Likely benign for Breast and/or ovarian cancer. Last evaluated: 2021-12-15. Review status: criteria provided, single submitter. Criteria: ACMG Guidelines, 2015. Collection method: clinical testing. Allele origin: germline.

Sema4
Classification: Likely benign for Hereditary cancer-predisposing syndrome. Last evaluated: 2021-11-22. Review status: criteria provided, single submitter. Criteria: Sema4 Curation Guidelines. Collection method: curation. Allele origin: germline.

GeneDx
Classification: Likely benign. Last evaluated: 2021-06-07. Review status: criteria provided, single submitter. Criteria: GeneDx Variant Classification Process June 2021. Collection method: clinical testing. Allele origin: germline. Affected: yes.
Comment: This variant is associated with the following publications: (PMID: 18302019, 17200668, 27535533)

Women's Health and Genetics/Laboratory Corporation of America, LabCorp
Classification: Likely benign. Last evaluated: 2016-09-06. Review status: criteria provided, single submitter. Criteria: LabCorp Variant Classification Summary - May 2015. Collection method: clinical testing. Allele origin: germline.
Comment: Variant summary: The PALB2 c.765T>C (p.Asp255Asp) variant involves the alteration of a non-conserved nucleotide, resulting in a synonymous change. Mutation taster predicts a benign outcome for this substitution along with 5/5 in silico tools via Alamut predicting the variant not to have an impact on normal splicing. This variant was found in 17/124694 control chromosomes, predominantly observed in the European (Non-Finnish) subpopulation at a frequency of 0.0002248 (15/66738). This slightly exceeds the estimated maximal expected allele frequency of a pathogenic PALB2 variant (0.0001563), suggesting this is likely a benign polymorphism found primarily in the populations of European (Non-Finnish) origin. The variant was reported in breast cancer patients, however without strong evidence such as co-segregation; therefore these reports do not allow the establishment of a cause effect relationship between the variant and the disease. In addition, multiple clinical diagnostic laboratories/reputable databases classified this variant as likely benign. Taken together, this variant is classified as Likely Benign.

Color Diagnostics, LLC DBA Color Health
Classification: Benign for Hereditary cancer-predisposing syndrome. Last evaluated: 2016-01-04. Review status: criteria provided, single submitter. Criteria: ACMG Guidelines, 2015. Collection method: clinical testing. Allele origin: germline.

Ambry Genetics
Classification: Likely benign for Hereditary cancer-predisposing syndrome. Last evaluated: 2015-04-16. Review status: criteria provided, single submitter. Criteria: Ambry Variant Classification Scheme 2023. Collection method: clinical testing. Allele origin: germline.

PreventionGenetics, part of Exact Sciences
Classification: Likely benign for PALB2-related condition. Last evaluated: 2019-07-31. Review status: no assertion criteria provided. Collection method: clinical testing. Allele origin: germline. Not counted in ClinVar's aggregate classification.
Comment: This variant is classified as likely benign based on ACMG/AMP sequence variant interpretation guidelines (Richards et al. 2015 PMID: 25741868, with internal and published modifications).

Leiden Open Variation Database
Classification: Likely benign for Familial cancer of breast. Last evaluated: 2019-05-13. Review status: no assertion criteria provided. Collection method: curation. Allele origin: germline. Affected: yes. Not counted in ClinVar's aggregate classification.
Comment: Curators: Marc Tischkowitz, Arleen D. Auerbach. Submitter to LOVD: Marc Tischkowitz.

Counsyl
Classification: Likely benign for Familial cancer of breast. Last evaluated: 2018-03-24. Review status: no assertion criteria provided. Collection method: clinical testing. Allele origin: unknown. Not counted in ClinVar's aggregate classification.

Clinical Genetics Laboratory, Department of Pathology, Netherlands Cancer Institute
Classification: Likely benign. Review status: no assertion criteria provided. Collection method: clinical testing. Allele origin: germline. Affected: yes. Study: VKGL Data-share Consensus. Not counted in ClinVar's aggregate classification.

Department of Pathology and Laboratory Medicine, Sinai Health System
Classification: Likely benign. Review status: no assertion criteria provided. Collection method: clinical testing. Allele origin: unknown. Affected: yes. Study: The Canadian Open Genetics Repository (COGR). Not counted in ClinVar's aggregate classification.
Comment: The PALB2 p.Asp255= variant was identified in 2 of 2036 proband chromosomes (frequency: 0.001) from individuals or families with breast or ovarian cancer and was present in 1 of 2168 control chromosomes (frequency: 0.0005) from healthy individuals (Garcia 2009, Rahman 2007). The variant was also identified in dbSNP (ID: rs45465299) as "With other allele", ClinVar (classified as likely benign by Invitae, Ambry Genetics, GeneDx and five other submitters), and in LOVD 3.0 (2X ). The variant was identified in control databases in 22 of 277172 chromosomes at a frequency of 0.00008 increasing the likelihood this could be a low frequency benign variant (Genome Aggregation Database Feb 27, 2017). The variant was observed in the following populations: European in 22 of 126672 chromosomes (freq: 0.0002), while the variant was not observed in the African, Other, Latino, Ashkenazi Jewish, East Asian, Finnish, and South Asian populations. The p.Asp255= variant is not expected to have clinical significance because it does not result in a change of amino acid and is not located in a known consensus splice site. In addition, in silico or computational prediction software programs (SpliceSiteFinder, MaxEntScan, NNSPLICE, GeneSplicer) do not predict a difference in splicing. In summary, based on the above information the clinical significance of this variant cannot be determined with certainty at this time although we would lean towards a more benign role for this variant. This variant is classified as likely benign.

Joint Genome Diagnostic Labs from Nijmegen and Maastricht, Radboudumc and MUMC+
Classification: Likely benign. Review status: no assertion criteria provided. Collection method: clinical testing. Allele origin: germline. Affected: yes. Study: VKGL Data-share Consensus. Not counted in ClinVar's aggregate classification.

Literature cited by the submitters: PubMed 28779002 (cited by Quest Diagnostics Nichols Institute San Juan Capistrano); PubMed 26564480 (cited by 3 submitters); PubMed 18302019 (cited by 4 submitters); PubMed 17200668 (cited by 3 submitters).